The following is an entry in ClinVar:

ClinVar aggregate classification (germline): Likely benign. Review status: no assertion criteria provided (0 of 4 stars). 3 submissions from 3 submitters: Likely benign (3). Last evaluated 2020-12-14.

Conditions:
ST14-related disorder. Also called: ST14-related condition.

Submissions (3):

PreventionGenetics, part of Exact Sciences
Classification: Likely benign for ST14-related condition. Last evaluated: 2020-12-14. Review status: no assertion criteria provided. Collection method: clinical testing. Allele origin: germline.
Comment: This variant is classified as likely benign based on ACMG/AMP sequence variant interpretation guidelines (Richards et al. 2015 PMID: 25741868, with internal and published modifications).

Clinical Genetics DNA and cytogenetics Diagnostics Lab, Erasmus MC, Erasmus Medical Center
Classification: Likely benign. Review status: no assertion criteria provided. Collection method: clinical testing. Allele origin: germline. Affected: yes. Study: VKGL Data-share Consensus.

Laboratory of Diagnostic Genome Analysis, Leiden University Medical Center (LUMC)
Classification: Likely benign. Review status: no assertion criteria provided. Collection method: clinical testing. Allele origin: germline. Affected: yes. Study: VKGL Data-share Consensus.

NM_021978.4(ST14):c.1224-8_1224-7insT

Gene: ST14 (ST14 transmembrane serine protease matriptase; plus strand). Cytogenetic location: 11q24.3.
Variant type: Insertion.
Coding change: c.1224-8_1224-7insT on transcript NM_021978.4 (MANE Select); 8 bases into the intron before coding-DNA position 1224 through 7 bases into the intron before coding-DNA position 1224, T inserted.
Molecular consequence: intron variant.
Genome position: GRCh38 VCF-style: chr11-130196562-C-CT. GRCh37 (hg19) VCF-style: chr11-130066457-C-CT.
Other names: c.1224-8_1224-7insT (NM_021978.3).
Identifiers: ClinVar variation 1206257 (VCV001206257.4), dbSNP rs779187925, ClinGen allele CA6363966.